The following is an entry in ClinVar:

ClinVar aggregate classification (germline): Uncertain significance. Review status: criteria provided, multiple submitters, no conflicts (2 of 4 stars). 3 submissions from 3 submitters: Uncertain significance (2). 1 of the submissions does not count toward it. Last evaluated 2025-03-18.

Conditions:
Charcot-Marie-Tooth disease type 2. Also called: Charcot-Marie-Tooth type 2. Identifiers: Orphanet 64746, MedGen C0270914, MONDO:0018993.
Trichothiodystrophy 8, nonphotosensitive. Identifiers: MedGen C5562057, MONDO:0030517, OMIM 619691.

Allele frequency attached by ClinVar (database versions not stated): gnomAD exomes 0.00001 and 0.00003; ExAC 0.00001; gnomAD 0.00001.
gnomAD v4.1: 40 of 1,614,030 alleles (0.0025%); highest among the groups gnomAD compares: Non-Finnish European, 0.0034%; no homozygotes.

Submissions (3):

Mayo Clinic Laboratories, Mayo Clinic
Classification: Uncertain significance. Last evaluated: 2025-03-18. Review status: criteria provided, single submitter. Criteria: ACMG Guidelines, 2015. Collection method: clinical testing. Allele origin: germline. Observed: 1 variant allele.
Comment: PP3

Labcorp Genetics (formerly Invitae), Labcorp
Classification: Uncertain significance for Charcot-Marie-Tooth disease type 2. Last evaluated: 2024-08-19. Review status: criteria provided, single submitter. Criteria: Invitae Variant Classification Sherloc (09022015). Collection method: clinical testing. Allele origin: germline.
Comment: This sequence change replaces threonine, which is neutral and polar, with isoleucine, which is neutral and non-polar, at codon 756 of the AARS protein (p.Thr756Ile). This variant is present in population databases (rs769394060, gnomAD 0.003%). This variant has not been reported in the literature in individuals affected with AARS-related conditions. ClinVar contains an entry for this variant (Variation ID: 1331695). Invitae Evidence Modeling of protein sequence and biophysical properties (such as structural, functional, and spatial information, amino acid conservation, physicochemical variation, residue mobility, and thermodynamic stability) indicates that this missense variant is expected to disrupt AARS protein function with a positive predictive value of 80%. In summary, the available evidence is currently insufficient to determine the role of this variant in disease. Therefore, it has been classified as a Variant of Uncertain Significance.

OMIM
Classification: Pathogenic for TRICHOTHIODYSTROPHY 8, NONPHOTOSENSITIVE. Last evaluated: 2022-01-05. Review status: no assertion criteria provided. Collection method: literature only. Allele origin: germline. Not counted in ClinVar's aggregate classification.

Literature cited by the submitters: PubMed 33909043 (cited by Mayo Clinic Laboratories, Mayo Clinic and OMIM); PubMed 38979321 (cited by Mayo Clinic Laboratories, Mayo Clinic).

NM_001605.3(AARS1):c.2267C>T (p.Thr756Ile)

Gene: AARS1 (alanyl-tRNA synthetase 1; minus strand). Cytogenetic location: 16q22.1.
Variant type: single nucleotide variant.
Coding change: c.2267C>T on transcript NM_001605.3 (MANE Select); coding-DNA position 2267, C replaced by T.
Protein change: p.Thr756Ile; replaces threonine 756 with isoleucine.
Molecular consequence: missense variant.
Genome position (GRCh38, 1-based): chr16:70,255,747, G>A on the plus strand (C>T on the coding strand, the complement: AARS1 is on the minus strand). VCF-style: chr16-70255747-G-A. GRCh37 (hg19) VCF-style: chr16-70289650-G-A.
Other names: p.Thr756Ile; c.2267C>T (NM_001605.2); short protein forms T756I.
Identifiers: ClinVar variation 1331695 (VCV001331695.10), dbSNP rs769394060, ClinGen allele CA8140502.